The following is an entry in ClinVar:

NM_000020.3(ACVRL1):c.1456A>G (p.Lys486Glu)

Gene: ACVRL1 (activin A receptor like type 1; plus strand). Cytogenetic location: 12q13.13.
Variant type: single nucleotide variant.
Coding change: c.1456A>G on transcript NM_000020.3 (MANE Select); coding-DNA position 1456, A replaced by G.
Protein change: p.Lys486Glu; replaces lysine 486 with glutamic acid.
Molecular consequence: missense variant.
Genome position (GRCh38, 1-based): chr12:51,920,837, A>G. VCF-style: chr12-51920837-A-G. GRCh37 (hg19) VCF-style: chr12-52314621-A-G.
Other names: c.1456A>G, p.Lys486Glu (NM_001077401.2, NM_001406487.1); c.1300A>G, p.Lys434Glu (NM_001406490.1); c.1144A>G, p.Lys382Glu (NM_001406491.1, NM_001406492.1); c.946A>G, p.Lys316Glu (NM_001406494.1); c.892A>G, p.Lys298Glu (NM_001406495.1); short protein forms K382E, K434E, K486E, K298E, K316E.
Identifiers: ClinVar variation 1773055 (VCV001773055.3), dbSNP rs113700354, ClinGen allele CA236367781.

ClinVar aggregate classification (germline): Conflicting classifications of pathogenicity. Review status: criteria provided, conflicting classifications (1 of 4 stars). 2 submissions from 2 submitters: Likely pathogenic (1); Uncertain significance (1). Last evaluated 2025-08-11.

Conditions:
Cardiovascular phenotype. Identifiers: MedGen CN230736.

Submissions (2):

GeneDx
Classification: Uncertain significance. Last evaluated: 2025-08-11. Review status: criteria provided, single submitter. Criteria: GeneDx Variant Classification Process June 2021. Collection method: clinical testing. Allele origin: germline. Affected: yes.
Comment: Not observed at significant frequency in large population cohorts (gnomAD); In silico analysis supports that this missense variant has a deleterious effect on protein structure/function; This variant is associated with the following publications: (PMID: 20414677)

Ambry Genetics
Classification: Likely pathogenic for Cardiovascular phenotype. Last evaluated: 2016-11-11. Review status: criteria provided, single submitter. Criteria: Ambry Variant Classification Scheme 2023. Collection method: clinical testing. Allele origin: germline.
Comment: The p.K486E variant (also known as c.1456A>G), located in coding exon 9 of the ACVRL1 gene, results from an A to G substitution at nucleotide position 1456. The lysine at codon 486 is replaced by glutamic acid, an amino acid with similar properties. This alteration was reported in an individual with clinical presentations of hereditary hemorrhagic telangietasia (Richards-Yutz J et al. Hum. Genet., 2010 Jul;128:61-77). This variant was previously reported in the SNPDatabase as rs113700354. This variant was not reported in population based cohorts in the following databases: NHLBI Exome Sequencing Project (ESP), and 1000 Genomes Project. In the ESP, this variant was not observed in 6503 samples (13006 alleles) with coverage at this position. This amino acid position is well conserved in available vertebrate species. In addition, this alteration is predicted to be deleterious by in silico analysis. Based on the majority of available evidence to date, this variant is likely to be pathogenic.

Literature cited by the submitters: PubMed 20414677 (cited by Ambry Genetics).